The following is an entry in ClinVar:

ClinVar aggregate classification (germline): Benign (1 of 4 stars; one submission).

gnomAD v4.1: 19,709 of 1,613,828 alleles (1.2%); highest among the groups gnomAD compares: Middle Eastern, 3.7%; 155 homozygotes.

Submission:

CeGaT Center for Human Genetics Tuebingen
Classification: Benign. Last evaluated: 2026-08-01. Review status: criteria provided, single submitter. Criteria: CeGaT Center For Human Genetics Tuebingen Variant Classification Criteria Version 2. Collection method: clinical testing. Allele origin: germline. Affected: yes. Observed: 5 variant alleles.
Comment: GTF3C3: BP4, BP7, BS1, BS2

NM_012086.5(GTF3C3):c.2628T>C (p.Ala876=)

Gene: GTF3C3 (general transcription factor IIIC subunit 3; minus strand). Cytogenetic location: 2q33.1.
Variant type: single nucleotide variant.
Coding change: c.2628T>C on transcript NM_012086.5 (MANE Select); coding-DNA position 2628, T replaced by C.
Protein change: p.Ala876=; no amino-acid change (alanine 876 retained).
Molecular consequence: synonymous variant.
Genome position (GRCh38, 1-based): chr2:196,764,596, A>G on the plus strand (T>C on the coding strand, the complement: GTF3C3 is on the minus strand). VCF-style: chr2-196764596-A-G. GRCh37 (hg19) VCF-style: chr2-197629320-A-G.
Identifiers: ClinVar variation 4871924 (VCV004871924.2).